The following is an entry in ClinVar:

ClinVar aggregate classification (germline): Likely benign (1 of 4 stars; one submission).

gnomAD v4.1: 26 of 1,614,018 alleles (0.0016%); highest among the groups gnomAD compares: Non-Finnish European, 0.0022%; no homozygotes.

Submission:

CeGaT Center for Human Genetics Tuebingen
Classification: Likely benign. Last evaluated: 2025-03-01. Review status: criteria provided, single submitter. Criteria: CeGaT Center For Human Genetics Tuebingen Variant Classification Criteria Version 2. Collection method: clinical testing. Allele origin: germline. Affected: yes. Observed: 1 variant allele.
Comment: OTUD7A: BP4, BP7

NM_001382637.1(OTUD7A):c.312G>A (p.Arg104=)

Gene: OTUD7A (OTU deubiquitinase 7A; minus strand). Cytogenetic location: 15q13.3.
Variant type: single nucleotide variant.
Coding change: c.312G>A on transcript NM_001382637.1 (MANE Select); coding-DNA position 312, G replaced by A.
Protein change: p.Arg104=; no amino-acid change (arginine 104 retained).
Molecular consequence: synonymous variant.
Genome position (GRCh38, 1-based): chr15:31,570,037, C>T on the plus strand (G>A on the coding strand, the complement: OTUD7A is on the minus strand). VCF-style: chr15-31570037-C-T. GRCh37 (hg19) VCF-style: chr15-31862240-C-T.
Other names: c.312G>A, p.Arg104= (NM_001329907.2, NM_130901.3).
Identifiers: ClinVar variation 3777850 (VCV003777850.7).